The following is an entry in ClinVar:

ClinVar aggregate classification (germline): Uncertain significance. Review status: criteria provided, multiple submitters, no conflicts (2 of 4 stars). 2 submissions from 2 submitters: Uncertain significance (2). Last evaluated 2025-11-09.

Allele frequency attached by ClinVar (database versions not stated): gnomAD 0.00008; ExAC 0.00002; TOPMed 0.00009.
gnomAD v4.1: 28 of 1,613,914 alleles (0.0017%); highest among the groups gnomAD compares: African/African-American, 0.036%; no homozygotes.

Submissions (2):

Labcorp Genetics (formerly Invitae), Labcorp
Classification: Uncertain significance. Last evaluated: 2025-11-09. Review status: criteria provided, single submitter. Criteria: Invitae Variant Classification Sherloc (09022015). Collection method: clinical testing. Allele origin: germline.
Comment: This sequence change replaces proline, which is neutral and non-polar, with alanine, which is neutral and non-polar, at codon 186 of the DLST protein (p.Pro186Ala). This variant is present in population databases (rs781463372, gnomAD 0.03%). This variant has not been reported in the literature in individuals affected with DLST-related conditions. ClinVar contains an entry for this variant (Variation ID: 2307415). Invitae Evidence Modeling of protein sequence and biophysical properties (such as structural, functional, and spatial information, amino acid conservation, physicochemical variation, residue mobility, and thermodynamic stability) indicates that this missense variant is not expected to disrupt DLST protein function with a negative predictive value of 80%. In summary, the available evidence is currently insufficient to determine the role of this variant in disease. Therefore, it has been classified as a Variant of Uncertain Significance.

Ambry Genetics
Classification: Uncertain significance. Last evaluated: 2022-08-16. Review status: criteria provided, single submitter. Criteria: Ambry Variant Classification Scheme 2023. Collection method: clinical testing. Allele origin: germline.

NM_001933.5(DLST):c.556C>G (p.Pro186Ala)

Gene: DLST (dihydrolipoamide S-succinyltransferase; plus strand). Cytogenetic location: 14q24.3.
Variant type: single nucleotide variant.
Coding change: c.556C>G on transcript NM_001933.5 (MANE Select); coding-DNA position 556, C replaced by G.
Protein change: p.Pro186Ala; replaces proline 186 with alanine.
Molecular consequence: missense variant. On other transcripts: non-coding transcript variant (2).
Genome position (GRCh38, 1-based): chr14:74,892,947, C>G. VCF-style: chr14-74892947-C-G. GRCh37 (hg19) VCF-style: chr14-75359650-C-G.
Other names: short protein forms P186A.
Identifiers: ClinVar variation 2307415 (VCV002307415.4), dbSNP rs781463372, ClinGen allele CA7273537.